The following is an entry in ClinVar:

NM_000303.3(PMM2):c.194A>G (p.Asp65Gly)

Gene: PMM2 (phosphomannomutase 2; plus strand). Cytogenetic location: 16p13.2.
Variant type: single nucleotide variant.
Coding change: c.194A>G on transcript NM_000303.3 (MANE Select); coding-DNA position 194, A replaced by G.
Protein change: p.Asp65Gly; replaces aspartic acid 65 with glycine.
Molecular consequence: missense variant.
Genome position (GRCh38, 1-based): chr16:8,804,782, A>G. VCF-style: chr16-8804782-A-G. GRCh37 (hg19) VCF-style: chr16-8898639-A-G.
Other names: short protein forms D65G.
Identifiers: ClinVar variation 2019866 (VCV002019866.6), dbSNP rs2549144454, ClinGen allele CA394695820.

ClinVar aggregate classification (germline): Likely pathogenic. Review status: criteria provided, multiple submitters, no conflicts (2 of 4 stars). 3 submissions from 3 submitters: Likely pathogenic (3). Last evaluated 2025-11-01.

Conditions:
PMM2-congenital disorder of glycosylation. Also called: CDG Ia; PMM2-CDG; Congenital disorder of glycosylation, type Ia; JAEKEN SYNDROME; PHOSPHOMANNOMUTASE 2 DEFICIENCY; CARBOHYDRATE-DEFICIENT GLYCOPROTEIN SYNDROME, TYPE Ia. Identifiers: Orphanet 79318, MedGen C0349653, MONDO:0008907, OMIM 212065.

Submissions (3):

Medical Molecular Genetics, National Research Centre
Classification: Likely pathogenic for PMM2-congenital disorder of glycosylation. Last evaluated: 2025-11-01. Review status: criteria provided, single submitter. Criteria: ACMG Guidelines, 2015. Collection method: research. Allele origin: inherited. Affected: yes.

Baylor Genetics
Classification: Likely pathogenic for PMM2-congenital disorder of glycosylation. Last evaluated: 2024-03-08. Review status: criteria provided, single submitter. Criteria: ACMG Guidelines, 2015. Collection method: clinical testing. Allele origin: unknown.

Labcorp Genetics (formerly Invitae), Labcorp
Classification: Likely pathogenic for PMM2-congenital disorder of glycosylation. Last evaluated: 2022-11-29. Review status: criteria provided, single submitter. Criteria: Invitae Variant Classification Sherloc (09022015). Collection method: clinical testing. Allele origin: germline.
Comment: This missense change has been observed in individual(s) with PMM2-CDG (PMID: 28139241). Advanced modeling of protein sequence and biophysical properties (such as structural, functional, and spatial information, amino acid conservation, physicochemical variation, residue mobility, and thermodynamic stability) performed at Invitae indicates that this missense variant is expected to disrupt PMM2 protein function. This variant disrupts the p.Asp65 amino acid residue in PMM2. Other variant(s) that disrupt this residue have been determined to be pathogenic (PMID: 9497260, 16376131, 21541725, 24739649). This suggests that this residue is clinically significant, and that variants that disrupt this residue are likely to be disease-causing. In summary, the currently available evidence indicates that the variant is pathogenic, but additional data are needed to prove that conclusively. Therefore, this variant has been classified as Likely Pathogenic. This sequence change replaces aspartic acid, which is acidic and polar, with glycine, which is neutral and non-polar, at codon 65 of the PMM2 protein (p.Asp65Gly). This variant is not present in population databases (gnomAD no frequency).

Literature cited by the submitters: PubMed 28139241 (cited by Labcorp Genetics (formerly Invitae), Labcorp); PubMed 9497260 (cited by Labcorp Genetics (formerly Invitae), Labcorp); PubMed 16376131 (cited by Labcorp Genetics (formerly Invitae), Labcorp); PubMed 21541725 (cited by Labcorp Genetics (formerly Invitae), Labcorp); PubMed 24739649 (cited by Labcorp Genetics (formerly Invitae), Labcorp).